The following is an entry in ClinVar:

NM_001048174.2(MUTYH):c.994del (p.Arg332fs)

Gene: MUTYH (mutY DNA glycosylase; minus strand). Cytogenetic location: 1p34.1.
Variant type: Deletion.
Coding change: c.994del on transcript NM_001048174.2 (MANE Select); coding-DNA position 994, one base deleted (A; older notation c.994delA).
Protein change: p.Arg332fs; shifts the reading frame from arginine 332.
Molecular consequence: frameshift variant. On other transcripts: non-coding transcript variant (2).
Genome position (GRCh38, 1-based): chr1:45,331,769, T deleted on the plus strand (A on the coding strand, the reverse complement: MUTYH is on the minus strand). VCF-style (leftmost placement, unchanged base first): chr1-45331768-CT-C. GRCh37 (hg19) VCF-style: chr1-45797440-CT-C.
Other names: c.994del, p.Arg332fs (NM_001048171.2, NM_001048173.2, NM_001293195.2); c.997del, p.Arg333fs (NM_001048172.2); c.1078del, p.Arg360fs (NM_001128425.2); c.1039del, p.Arg347fs (NM_001293190.2); c.1027del, p.Arg343fs (NM_001293191.2); c.718del, p.Arg240fs (NM_001293192.2, NM_001293196.2); c.649del, p.Arg217fs (NM_001350650.2, NM_001350651.2); c.1069del, p.Arg357fs (NM_012222.3); and 1 more; short protein forms R333fs, R217fs, R240fs, R332fs, R343fs, R357fs, R347fs, R360fs.
Identifiers: ClinVar variation 371676 (VCV000371676.15), dbSNP rs1057517456, ClinGen allele CA16040737.

ClinVar aggregate classification (germline): Pathogenic/Likely pathogenic. Review status: criteria provided, multiple submitters, no conflicts (2 of 4 stars). 5 submissions from 5 submitters: Pathogenic (2); Likely pathogenic (2). 1 of the submissions does not count toward it. Last evaluated 2025-04-27.

Conditions:
Hereditary cancer-predisposing syndrome. Also called: Neoplastic Syndromes, Hereditary; Hereditary Cancer Syndrome; Hereditary neoplastic syndrome; Tumor predisposition. Identifiers: Orphanet 140162, MedGen C0027672, MeSH D009386, MONDO:0015356.
Familial adenomatous polyposis 2. Also called: ADENOMAS, MULTIPLE COLORECTAL, AUTOSOMAL RECESSIVE; MYH-associated polyposis; Adenomas, multiple colorectal; MUTYH Polyposis; COLORECTAL ADENOMATOUS POLYPOSIS, AUTOSOMAL RECESSIVE; FAP type 2. Identifiers: Orphanet 220460, Orphanet 247798, MedGen C3272841, MONDO:0012041, OMIM 608456.

Allele frequency attached by ClinVar (database versions not stated): TOPMed 0.00001.

Submissions (5):

Labcorp Genetics (formerly Invitae), Labcorp
Classification: Pathogenic for Familial adenomatous polyposis 2. Last evaluated: 2025-04-27. Review status: criteria provided, single submitter. Criteria: Invitae Variant Classification Sherloc (09022015). Collection method: clinical testing. Allele origin: germline.
Comment: This sequence change creates a premature translational stop signal (p.Arg360Glufs*48) in the MUTYH gene. It is expected to result in an absent or disrupted protein product. Loss-of-function variants in MUTYH are known to be pathogenic (PMID: 18534194, 20663686). This variant is not present in population databases (gnomAD no frequency). This variant has not been reported in the literature in individuals affected with MUTYH-related conditions. ClinVar contains an entry for this variant (Variation ID: 371676). For these reasons, this variant has been classified as Pathogenic.

Quest Diagnostics Nichols Institute San Juan Capistrano
Classification: Likely pathogenic. Last evaluated: 2023-10-10. Review status: criteria provided, single submitter. Criteria: Quest Diagnostics criteria. Collection method: clinical testing. Allele origin: unknown.
Comment: The MUTYH c.1078del (p.Arg360Glufs*48) variant alters the translational reading frame of the MUTYH mRNA and is predicted to cause the premature termination of MUTYH protein synthesis. This variant has not been reported in individuals with MUTYH-related conditions in the published literature. This variant has not been reported in large, multi-ethnic general populations (Genome Aggregation Database). Based on the available information, this variant is classified as likely pathogenic.

Baylor Genetics
Classification: Likely pathogenic for Familial adenomatous polyposis 2. Last evaluated: 2021-03-24. Review status: criteria provided, single submitter. Criteria: ACMG Guidelines, 2015. Collection method: clinical testing. Allele origin: unknown.

Color Diagnostics, LLC DBA Color Health
Classification: Pathogenic for Hereditary cancer-predisposing syndrome. Last evaluated: 2020-01-15. Review status: criteria provided, single submitter. Criteria: ACMG Guidelines, 2015. Collection method: clinical testing. Allele origin: germline.
Comment: This variant deletes 1 nucleotide in exon 12 of the MUTYH gene, creating a frameshift and premature translation stop signal. This variant is expected to result in an absent or non-functional protein product. This variant has not been identified in the general population by the Genome Aggregation Database (gnomAD). Loss of MUTYH function is a known mechanism of disease. Based on the available evidence, this variant is classified as Pathogenic.

Counsyl
Classification: Likely pathogenic for Familial adenomatous polyposis 2. Last evaluated: 2015-12-30. Review status: no assertion criteria provided. Collection method: clinical testing. Allele origin: unknown. Not counted in ClinVar's aggregate classification.

Literature cited by the submitters: PubMed 18534194 (cited by Labcorp Genetics (formerly Invitae), Labcorp); PubMed 20663686 (cited by Labcorp Genetics (formerly Invitae), Labcorp).